The following is an entry in ClinVar:

ClinVar aggregate classification (germline): Likely benign (1 of 4 stars; one submission).

Submission:

GeneDx
Classification: Likely benign. Last evaluated: 2017-04-20. Review status: criteria provided, single submitter. Criteria: GeneDx Variant Classification (06012015). Collection method: clinical testing. Allele origin: germline. Affected: yes.
Comment: This variant is considered likely benign or benign based on one or more of the following criteria: it is a conservative change, it occurs at a poorly conserved position in the protein, it is predicted to be benign by multiple in silico algorithms, and/or has population frequency not consistent with disease.

NM_182476.3(COQ6):c.1095-9T>C

Genes: COQ6 (coenzyme Q6, monooxygenase; plus strand), ENTPD5 (ectonucleoside triphosphate diphosphohydrolase 5; minus strand). Cytogenetic location: 14q24.3.
Variant type: single nucleotide variant.
Coding change: c.1095-9T>C on transcript NM_182476.3 (MANE Select); 9 bases into the intron before coding-DNA position 1095, T replaced by C.
Molecular consequence: intron variant. On other transcripts: 3 prime UTR variant (1).
Genome position (GRCh38, 1-based): chr14:73,961,446, T>C. VCF-style: chr14-73961446-T-C. GRCh37 (hg19) VCF-style: chr14-74428149-T-C.
Other names: c.*87A>G (NM_001321984.2); c.912-9T>C (NM_001425258.1); c.870-9T>C (NM_001425259.1, NM_001425261.1, NM_001425260.1); c.1020-9T>C (NM_182480.3); c.768-9T>C (NM_001425263.1); c.1095-9T>C (NM_001425255.1); c.987-9T>C (NM_001425256.1); c.555-9T>C (NM_001425265.1, NM_001425264.1); and 5 more.
Identifiers: ClinVar variation 508260 (VCV000508260.3), dbSNP rs1555358758, ClinGen allele CA658798227.